The following is an entry in ClinVar:

NM_001384732.1(CPLANE1):c.1487A>G (p.Glu496Gly)

Gene: CPLANE1 (ciliogenesis and planar polarity effector complex subunit 1; minus strand). Cytogenetic location: 5p13.2.
Variant type: single nucleotide variant.
Coding change: c.1487A>G on transcript NM_001384732.1 (MANE Select); coding-DNA position 1487, A replaced by G.
Protein change: p.Glu496Gly; replaces glutamic acid 496 with glycine.
Molecular consequence: missense variant.
Genome position (GRCh38, 1-based): chr5:37,227,277, T>C on the plus strand (A>G on the coding strand, the complement: CPLANE1 is on the minus strand). VCF-style: chr5-37227277-T-C. GRCh37 (hg19) VCF-style: chr5-37227379-T-C.
Other names: c.1487A>G, p.Glu496Gly (NM_023073.4); short protein forms E496G.
Identifiers: ClinVar variation 1438968 (VCV001438968.9), dbSNP rs938547995, ClinGen allele CA117058049.
Genomic context (GRCh38, chr5:37,227,277, plus strand): 5'-GTAAATAAAATTCTGCTGCTAAGTACCTGAAAATCTGCTGCATTTTCATTTATTGTTTCT[T>C]CTGCCTGCAAGAATTTGGGGACAGTGAAATCGGCTGAACTTTCATTTCCTTGGTGTTCTA-3'
Protein context (NP_001371661.1, residues 486-506): DFTVPKFLQA[Glu496Gly]ETINENAADF

ClinVar aggregate classification (germline): Uncertain significance. Review status: criteria provided, multiple submitters, no conflicts (2 of 4 stars). 3 submissions from 3 submitters: Uncertain significance (3). Last evaluated 2025-07-14.

Conditions:
Orofaciodigital syndrome type 6 (OFD6). Also called: Oral-facial-digital syndrome type 6; Central polydactyly cleft lip/palate or lingual lump and psychomotor retardation; Y-shaped central metacarpal and cerebellar defect; Joubert syndrome with orofacialdigital anomalies; OROFACIODIGITAL SYNDROME VI; OFDS VI. Identifiers: Orphanet 2754, MedGen C2745997, MONDO:0010176, OMIM 277170.
Joubert syndrome 17 (JBTS17). Identifiers: Orphanet 475, MedGen C3553264, MONDO:0013824, OMIM 614615.

Allele frequency attached by ClinVar (database versions not stated): gnomAD exomes 0.00001; TOPMed 0.00009; gnomAD 0.00010 and 0.00012.
gnomAD v4.1: 26 of 1,552,022 alleles (0.0017%); highest among the groups gnomAD compares: African/African-American, 0.034%; no homozygotes.

Submissions (3):

GeneDx
Classification: Uncertain significance. Last evaluated: 2025-07-14. Review status: criteria provided, single submitter. Criteria: GeneDx Variant Classification Process June 2021. Collection method: clinical testing. Allele origin: germline. Affected: yes.
Comment: In silico analysis supports that this missense variant has a deleterious effect on protein structure/function; Has not been previously published as pathogenic or benign to our knowledge

Labcorp Genetics (formerly Invitae), Labcorp
Classification: Uncertain significance. Last evaluated: 2024-10-26. Review status: criteria provided, single submitter. Criteria: Invitae Variant Classification Sherloc (09022015). Collection method: clinical testing. Allele origin: germline.
Comment: This sequence change replaces glutamic acid, which is acidic and polar, with glycine, which is neutral and non-polar, at codon 496 of the CPLANE1 protein (p.Glu496Gly). This variant is present in population databases (no rsID available, gnomAD 0.02%). This variant has not been reported in the literature in individuals affected with CPLANE1-related conditions. ClinVar contains an entry for this variant (Variation ID: 1438968). Invitae Evidence Modeling of protein sequence and biophysical properties (such as structural, functional, and spatial information, amino acid conservation, physicochemical variation, residue mobility, and thermodynamic stability) indicates that this missense variant is not expected to disrupt CPLANE1 protein function with a negative predictive value of 95%. In summary, the available evidence is currently insufficient to determine the role of this variant in disease. Therefore, it has been classified as a Variant of Uncertain Significance.

Fulgent Genetics
Classification: Uncertain significance for Orofaciodigital syndrome type 6; Joubert syndrome 17. Last evaluated: 2022-03-14. Review status: criteria provided, single submitter. Criteria: ACMG Guidelines, 2015. Collection method: clinical testing. Allele origin: unknown.